The following is an entry in ClinVar:

NM_014956.5(CEP164):c.3259G>C (p.Glu1087Gln)

Gene: CEP164 (centrosomal protein 164; plus strand). Cytogenetic location: 11q23.3.
Variant type: single nucleotide variant.
Coding change: c.3259G>C on transcript NM_014956.5 (MANE Select); coding-DNA position 3259, G replaced by C.
Protein change: p.Glu1087Gln; replaces glutamic acid 1087 with glutamine.
Molecular consequence: missense variant.
Genome position (GRCh38, 1-based): chr11:117,396,592, G>C. VCF-style: chr11-117396592-G-C. GRCh37 (hg19) VCF-style: chr11-117267308-G-C.
Other names: c.3268G>C, p.Glu1090Gln (NM_001271933.2); short protein forms E1087Q, E1090Q.
Identifiers: ClinVar variation 1525333 (VCV001525333.6), dbSNP rs911561261, ClinGen allele CA229361772.
Genomic context (GRCh38, chr11:117,396,592, plus strand): 5'-TCTACCATGTGTCCCTAGAACCAGACCAAAGAGGTGTCTTCTTCTCTCTCCCAGAGCAAG[G>C]AGGACTTATACTTGGACAGGTGAGTTCCCATAGCCTGTCTTATTTGAGGTTAGGGTACCA-3'
Protein context (NP_055771.4, residues 1077-1097): EVSSSLSQSK[Glu1087Gln]DLYLDSLSSH

ClinVar aggregate classification (germline): Uncertain significance (1 of 4 stars; one submission).

Conditions:
Nephronophthisis 15 (NPHP15). Identifiers: Orphanet 3156, MedGen C3541853, MONDO:0013917, OMIM 614845.

Allele frequency attached by ClinVar (database versions not stated): TOPMed below 0.00001.

Submission:

Labcorp Genetics (formerly Invitae), Labcorp
Classification: Uncertain significance for Nephronophthisis 15. Last evaluated: 2022-04-14. Review status: criteria provided, single submitter. Criteria: Invitae Variant Classification Sherloc (09022015). Collection method: clinical testing. Allele origin: germline.
Comment: This sequence change replaces glutamic acid, which is acidic and polar, with glutamine, which is neutral and polar, at codon 1087 of the CEP164 protein (p.Glu1087Gln). This variant is not present in population databases (gnomAD no frequency). This variant has not been reported in the literature in individuals affected with CEP164-related conditions. Algorithms developed to predict the effect of missense changes on protein structure and function are either unavailable or do not agree on the potential impact of this missense change (SIFT: "Tolerated"; PolyPhen-2: "Probably Damaging"; Align-GVGD: "Class C0"). In summary, the available evidence is currently insufficient to determine the role of this variant in disease. Therefore, it has been classified as a Variant of Uncertain Significance.